The following is an entry in ClinVar:

ClinVar aggregate classification (germline): Uncertain significance (1 of 4 stars; one submission).

Submission:

Labcorp Genetics (formerly Invitae), Labcorp
Classification: Uncertain significance. Last evaluated: 2022-07-12. Review status: criteria provided, single submitter. Criteria: Invitae Variant Classification Sherloc (09022015). Collection method: clinical testing. Allele origin: germline.
Comment: In summary, the available evidence is currently insufficient to determine the role of this variant in disease. Therefore, it has been classified as a Variant of Uncertain Significance. Experimental studies and prediction algorithms are not available or were not evaluated, and the functional significance of this variant is currently unknown. This variant has not been reported in the literature in individuals affected with PRDM13-related conditions. This variant is not present in population databases (gnomAD no frequency). This variant, c.1068_1088del, results in the deletion of 7 amino acid(s) of the PRDM13 protein (p.His357_His363del), but otherwise preserves the integrity of the reading frame.

NM_021620.4(PRDM13):c.1068_1088del (p.His357_His363del)

Genes: PRDM13 (PR/SET domain 13; plus strand), LOC129996881 (ATAC-STARR-seq lymphoblastoid silent region 17422; plus strand). Cytogenetic location: 6q16.2.
Variant type: Deletion.
Coding change: c.1068_1088del on transcript NM_021620.4 (MANE Select); coding-DNA positions 1068 to 1088, 21 bases deleted (CCACGCGCACCACCACCACCA).
Protein change: p.His357_His363del.
Molecular consequence: inframe deletion.
Genome position (GRCh38, 1-based): chr6:99,613,703-99,613,723, CCACGCGCACCACCACCACCA deleted; deleting any 21 consecutive bases within chr6:99,613,698-99,613,723 gives the same sequence; the c. name uses the placement nearest the transcript's 3' end. VCF-style (leftmost placement, unchanged base first): chr6-99613697-TCACCACCACGCGCACCACCAC-T. GRCh37 (hg19) VCF-style: chr6-100061573-TCACCACCACGCGCACCACCAC-T.
Identifiers: ClinVar variation 2037342 (VCV002037342.4), dbSNP rs1315826970, ClinGen allele CA830407900.
Genomic context (GRCh38, chr6:99,613,697, plus strand): 5'-GGCGTGCGGGCGCCCCGGGAGCGGGGAGAACTCGGCGGCGGGCGGCGCGGGTCACCACCA[TCACCACCACGCGCACCACCAC>T]CACCATCCCAAGTGCCTGCTCGCTGGGGACCCGCCGCCGCCGCCGCCGCCTGGCCTGCCC-3'